The following is an entry in ClinVar:

NM_018699.4(PRDM5):c.271C>T (p.Gln91Ter)

Gene: PRDM5 (PR/SET domain 5; minus strand). Cytogenetic location: 4q27.
Variant type: single nucleotide variant.
Coding change: c.271C>T on transcript NM_018699.4 (MANE Select); coding-DNA position 271, C replaced by T.
Protein change: p.Gln91Ter; replaces glutamine 91 with a stop codon.
Molecular consequence: nonsense.
Genome position (GRCh38, 1-based): chr4:120,853,447, G>A on the plus strand (C>T on the coding strand, the complement: PRDM5 is on the minus strand). VCF-style: chr4-120853447-G-A. GRCh37 (hg19) VCF-style: chr4-121774602-G-A.
Other names: c.271C>T, p.Gln91Ter (NM_001300823.2, NM_001300824.2, NM_001379104.1 and 1 more transcripts); short protein forms Q91*.
Identifiers: ClinVar variation 4807582 (VCV004807582.1).

ClinVar aggregate classification (germline): Pathogenic (1 of 4 stars; one submission).

gnomAD v4.1: 1 of 1,613,660 alleles (0.000062%); highest among the groups gnomAD compares: Non-Finnish European, 0.000085%; no homozygotes.

Submission:

Labcorp Genetics (formerly Invitae), Labcorp
Classification: Pathogenic. Last evaluated: 2025-12-21. Review status: criteria provided, single submitter. Criteria: Invitae Variant Classification Sherloc (09022015). Collection method: clinical testing. Allele origin: germline.
Comment: This sequence change creates a premature translational stop signal (p.Gln91*) in the PRDM5 gene. It is expected to result in an absent or disrupted protein product. Loss-of-function variants in PRDM5 are known to be pathogenic (PMID: 21664999, 26395458). This variant is not present in population databases (gnomAD no frequency). This variant has not been reported in the literature in individuals affected with PRDM5-related conditions. For these reasons, this variant has been classified as Pathogenic.

Literature cited by the submitters: PubMed 21664999; PubMed 26395458.